The following is an entry in ClinVar:

ClinVar aggregate classification (germline): Uncertain significance (1 of 4 stars; one submission).

Conditions:
Nephronophthisis 15 (NPHP15). Identifiers: Orphanet 3156, MedGen C3541853, MONDO:0013917, OMIM 614845.

Submission:

Labcorp Genetics (formerly Invitae), Labcorp
Classification: Uncertain significance for Nephronophthisis 15. Last evaluated: 2022-07-26. Review status: criteria provided, single submitter. Criteria: Invitae Variant Classification Sherloc (09022015). Collection method: clinical testing. Allele origin: germline.
Comment: Algorithms developed to predict the effect of missense changes on protein structure and function (SIFT, PolyPhen-2, Align-GVGD) all suggest that this variant is likely to be disruptive. In summary, the available evidence is currently insufficient to determine the role of this variant in disease. Therefore, it has been classified as a Variant of Uncertain Significance. ClinVar contains an entry for this variant (Variation ID: 1061769). This variant has not been reported in the literature in individuals affected with CEP164-related conditions. This variant is not present in population databases (gnomAD no frequency). This sequence change replaces aspartic acid, which is acidic and polar, with histidine, which is basic and polar, at codon 10 of the CEP164 protein (p.Asp10His).

NM_014956.5(CEP164):c.28G>C (p.Asp10His)

Gene: CEP164 (centrosomal protein 164; plus strand). Cytogenetic location: 11q23.3.
Variant type: single nucleotide variant.
Coding change: c.28G>C on transcript NM_014956.5 (MANE Select); coding-DNA position 28, G replaced by C.
Protein change: p.Asp10His; replaces aspartic acid 10 with histidine.
Molecular consequence: missense variant.
Genome position (GRCh38, 1-based): chr11:117,338,614, G>C. VCF-style: chr11-117338614-G-C. GRCh37 (hg19) VCF-style: chr11-117209330-G-C.
Other names: c.28G>C, p.Asp10His (NM_001271933.2); short protein forms D10H.
Identifiers: ClinVar variation 1061769 (VCV001061769.9), dbSNP rs2135058109, ClinGen allele CA382718660.
Genomic context (GRCh38, chr11:117,338,614, plus strand): 5'-TCTGGGATCTAGGTGTTTGAGCCCAGATGAGTCATGGCTGGACGACCCCTCCGCATAGGA[G>C]ATCAGCTGGTTCTGGAAGAAGATTATGATGAGACCTACATTCCTAGTGAGCAAGGTAACA-3'
Protein context (NP_055771.4, residues 1-20): MAGRPLRIG[Asp10His]QLVLEEDYDE